The following is an entry in ClinVar:

ClinVar aggregate classification (germline): Conflicting classifications of pathogenicity. Review status: criteria provided, conflicting classifications (1 of 4 stars). 6 submissions from 6 submitters: Uncertain significance (1); Likely benign (4). 1 of the submissions does not count toward it. Last evaluated 2026-01-18.

Conditions:
DNAAF1-related disorder. Also called: DNAAF1-related condition.
Primary ciliary dyskinesia. Also called: Ciliary dyskinesia. Identifiers: Orphanet 244, MedGen C0008780, MONDO:0016575, HP:0012265.
Primary ciliary dyskinesia 13. Also called: CILIARY DYSKINESIA, PRIMARY, 13, WITH OR WITHOUT SITUS INVERSUS. Identifiers: Orphanet 244, MedGen C2750790, MONDO:0013174, OMIM 613193.

Allele frequency attached by ClinVar (database versions not stated): ESP Exome Variant Server 0.00023; gnomAD exomes 0.00027 and 0.00065; gnomAD 0.00035 and 0.00036; TOPMed 0.00036; ExAC 0.00019.

Submissions (6):

Labcorp Genetics (formerly Invitae), Labcorp
Classification: Likely benign for Primary ciliary dyskinesia. Last evaluated: 2026-01-18. Review status: criteria provided, single submitter. Criteria: Invitae Variant Classification Sherloc (09022015). Collection method: clinical testing. Allele origin: germline.

Blueprint Genetics
Classification: Likely benign. Last evaluated: 2024-11-14. Review status: criteria provided, single submitter. Criteria: ACMG Guidelines, 2015. Collection method: clinical testing. Allele origin: germline.

CeGaT Center for Human Genetics Tuebingen
Classification: Likely benign. Last evaluated: 2024-08-01. Review status: criteria provided, single submitter. Criteria: CeGaT Center For Human Genetics Tuebingen Variant Classification Criteria Version 2. Collection method: clinical testing. Allele origin: germline. Affected: yes. Observed: 1 variant allele.
Comment: DNAAF1: BP4, BP7

Ambry Genetics
Classification: Likely benign for Primary ciliary dyskinesia. Last evaluated: 2022-08-22. Review status: criteria provided, single submitter. Criteria: Ambry Variant Classification Scheme 2023. Collection method: clinical testing. Allele origin: germline.

Illumina Laboratory Services, Illumina
Classification: Uncertain significance for Primary ciliary dyskinesia 13. Last evaluated: 2018-01-12. Review status: criteria provided, single submitter. Criteria: ICSL Variant Classification Criteria 13 December 2019. Collection method: clinical testing. Allele origin: germline.

PreventionGenetics, part of Exact Sciences
Classification: Likely benign for DNAAF1-related condition. Last evaluated: 2024-05-10. Review status: no assertion criteria provided. Collection method: clinical testing. Allele origin: germline. Not counted in ClinVar's aggregate classification.
Comment: This variant is classified as likely benign based on ACMG/AMP sequence variant interpretation guidelines (Richards et al. 2015 PMID: 25741868, with internal and published modifications).

NM_178452.6(DNAAF1):c.1506G>A (p.Pro502=)

Gene: DNAAF1 (dynein axonemal assembly factor 1; plus strand). Cytogenetic location: 16q24.1.
Variant type: single nucleotide variant.
Coding change: c.1506G>A on transcript NM_178452.6 (MANE Select); coding-DNA position 1506, G replaced by A.
Protein change: p.Pro502=; no amino-acid change (proline 502 retained).
Molecular consequence: synonymous variant.
Genome position (GRCh38, 1-based): chr16:84,170,334, G>A. VCF-style: chr16-84170334-G-A. GRCh37 (hg19) VCF-style: chr16-84203940-G-A.
Other names: c.798G>A, p.Pro266= (NM_001318756.1); c.1506G>A (NM_178452.5).
Identifiers: ClinVar variation 416066 (VCV000416066.35), dbSNP rs373515859, ClinGen allele CA8202879.